The following is an entry in ClinVar:

ClinVar aggregate classification (germline): Benign/Likely benign. Review status: criteria provided, multiple submitters, no conflicts (2 of 4 stars). 8 submissions from 8 submitters: Benign (2); Likely benign (3). 3 of the submissions do not count toward it. Last evaluated 2026-01-17.

Conditions:
Developmental and epileptic encephalopathy, 5 (DEE5). Identifiers: Orphanet 3451, MedGen C3150731, MONDO:0013277, OMIM 613477.
Inborn genetic diseases. Identifiers: MedGen C0950123, MeSH D030342.
Early-infantile DEE. Also called: Ohtahara syndrome; Early infantile epileptic encephalopathy with suppression bursts; Early infantile epileptic encephalopathy. Identifiers: Orphanet 1934, MedGen C0393706, MONDO:0800491.

Allele frequency attached by ClinVar (database versions not stated): ExAC 0.00007; gnomAD exomes 0.00008; TOPMed 0.00009; gnomAD 0.00010 and 0.00011.
gnomAD v4.1: 184 of 1,613,356 alleles (0.011%); highest among the groups gnomAD compares: Middle Eastern, 0.016%; no homozygotes.

Submissions (8):

Labcorp Genetics (formerly Invitae), Labcorp
Classification: Likely benign for Early-infantile DEE. Last evaluated: 2026-01-17. Review status: criteria provided, single submitter. Criteria: Invitae Variant Classification Sherloc (09022015). Collection method: clinical testing. Allele origin: germline.

Blueprint Genetics
Classification: Likely benign. Last evaluated: 2023-05-12. Review status: criteria provided, single submitter. Criteria: ACMG Guidelines, 2015. Collection method: clinical testing. Allele origin: germline.

Ambry Genetics
Classification: Likely benign for Inborn genetic diseases. Last evaluated: 2021-11-25. Review status: criteria provided, single submitter. Criteria: Ambry Variant Classification Scheme 2023. Collection method: clinical testing. Allele origin: germline.

Genome-Nilou Lab
Classification: Benign for Developmental and epileptic encephalopathy, 5. Last evaluated: 2021-07-15. Review status: criteria provided, single submitter. Criteria: ACMG Guidelines, 2015. Collection method: clinical testing. Allele origin: germline. Affected: no.

GeneDx
Classification: Benign. Last evaluated: 2015-03-19. Review status: criteria provided, single submitter. Criteria: GeneDx Variant Classification (06012015). Collection method: clinical testing. Allele origin: germline. Affected: yes.
Comment: This variant is considered likely benign or benign based on one or more of the following criteria: it is a conservative change, it occurs at a poorly conserved position in the protein, it is predicted to be benign by multiple in silico algorithms, and/or has population frequency not consistent with disease.

Clinical Genetics DNA and cytogenetics Diagnostics Lab, Erasmus MC, Erasmus Medical Center
Classification: Likely benign. Review status: no assertion criteria provided. Collection method: clinical testing. Allele origin: germline. Affected: yes. Study: VKGL Data-share Consensus. Not counted in ClinVar's aggregate classification.

Genome Diagnostics Laboratory, University Medical Center Utrecht
Classification: Likely benign. Review status: no assertion criteria provided. Collection method: clinical testing. Allele origin: germline. Affected: yes. Study: VKGL Data-share Consensus. Not counted in ClinVar's aggregate classification.

Laboratory of Diagnostic Genome Analysis, Leiden University Medical Center (LUMC)
Classification: Likely benign. Review status: no assertion criteria provided. Collection method: clinical testing. Allele origin: germline. Affected: yes. Study: VKGL Data-share Consensus. Not counted in ClinVar's aggregate classification.

NM_001130438.3(SPTAN1):c.5044-4C>T

Gene: SPTAN1 (spectrin alpha, non-erythrocytic 1; plus strand). Cytogenetic location: 9q34.11.
Variant type: single nucleotide variant.
Coding change: c.5044-4C>T on transcript NM_001130438.3 (MANE Select); 4 bases into the intron before coding-DNA position 5044, C replaced by T.
Molecular consequence: intron variant.
Genome position (GRCh38, 1-based): chr9:128,613,377, C>T. VCF-style: chr9-128613377-C-T. GRCh37 (hg19) VCF-style: chr9-131375656-C-T.
Other names: c.5044-4C>T (NM_001363759.2); c.5029-4C>T (NM_003127.4); c.4984-4C>T (NM_001363765.2); c.4969-4C>T (NM_001195532.2).
Identifiers: ClinVar variation 365172 (VCV000365172.23), dbSNP rs749484552, ClinGen allele CA5265367.